The following is an entry in ClinVar:

ClinVar aggregate classification (germline): Conflicting classifications of pathogenicity. Review status: criteria provided, conflicting classifications (1 of 4 stars). 2 submissions from 2 submitters: Uncertain significance (1); Likely benign (1). Last evaluated 2026-09-10.

Conditions:
Inborn genetic diseases. Identifiers: MedGen C0950123, MeSH D030342.
KBG syndrome (KBGS). Also called: ANKRD11-Related KBG Syndrome. Identifiers: Orphanet 2332, MedGen C0220687, MONDO:0007846, OMIM 148050.

Submissions (2):

Ambry Genetics
Classification: Likely benign for Inborn genetic diseases. Last evaluated: 2026-09-10. Review status: criteria provided, single submitter. Criteria: Ambry Variant Classification Scheme 2023. Collection method: clinical testing. Allele origin: germline.

Labcorp Genetics (formerly Invitae), Labcorp
Classification: Uncertain significance for KBG syndrome. Last evaluated: 2024-10-28. Review status: criteria provided, single submitter. Criteria: Invitae Variant Classification Sherloc (09022015). Collection method: clinical testing. Allele origin: germline.
Comment: This sequence change replaces alanine, which is neutral and non-polar, with aspartic acid, which is acidic and polar, at codon 2426 of the ANKRD11 protein (p.Ala2426Asp). This variant is not present in population databases (gnomAD no frequency). This variant has not been reported in the literature in individuals affected with ANKRD11-related conditions. ClinVar contains an entry for this variant (Variation ID: 2042712). Invitae Evidence Modeling of protein sequence and biophysical properties (such as structural, functional, and spatial information, amino acid conservation, physicochemical variation, residue mobility, and thermodynamic stability) indicates that this missense variant is not expected to disrupt ANKRD11 protein function with a negative predictive value of 95%. In summary, the available evidence is currently insufficient to determine the role of this variant in disease. Therefore, it has been classified as a Variant of Uncertain Significance.

NM_013275.6(ANKRD11):c.7277C>A (p.Ala2426Asp)

Gene: ANKRD11 (ankyrin repeat domain 11; minus strand). Cytogenetic location: 16q24.3.
Variant type: single nucleotide variant.
Coding change: c.7277C>A on transcript NM_013275.6 (MANE Select); coding-DNA position 7277, C replaced by A.
Protein change: p.Ala2426Asp; replaces alanine 2426 with aspartic acid.
Molecular consequence: missense variant.
Genome position (GRCh38, 1-based): chr16:89,279,265, G>T on the plus strand (C>A on the coding strand, the complement: ANKRD11 is on the minus strand). VCF-style: chr16-89279265-G-T. GRCh37 (hg19) VCF-style: chr16-89345673-G-T.
Other names: c.7277C>A (NM_013275.4); c.7277C>A, p.Ala2426Asp (NM_001256182.2, NM_001256183.2); short protein forms A2426D.
Identifiers: ClinVar variation 2042712 (VCV002042712.5), dbSNP rs2544218687, ClinGen allele CA397148719.